The following is an entry in ClinVar:

NM_014727.3(KMT2B):c.6330A>G (p.Pro2110=)

Gene: KMT2B (lysine methyltransferase 2B; plus strand). Cytogenetic location: 19q13.12.
Variant type: single nucleotide variant.
Coding change: c.6330A>G on transcript NM_014727.3 (MANE Select); coding-DNA position 6330, A replaced by G.
Protein change: p.Pro2110=; no amino-acid change (proline 2110 retained).
Molecular consequence: synonymous variant.
Genome position (GRCh38, 1-based): chr19:35,732,879, A>G. VCF-style: chr19-35732879-A-G. GRCh37 (hg19) VCF-style: chr19-36223780-A-G.
Other names: c.6330A>G (NM_014727.2).
Identifiers: ClinVar variation 1636516 (VCV001636516.13), dbSNP rs377636683, ClinGen allele CA9385667.

ClinVar aggregate classification (germline): Benign/Likely benign. Review status: criteria provided, multiple submitters, no conflicts (2 of 4 stars). 4 submissions from 4 submitters: Benign (2); Likely benign (1). 1 of the submissions does not count toward it. Last evaluated 2026-06-01.

Conditions:
KMT2B-related disorder. Also called: KMT2B-related disorders; KMT2B-related condition. Identifiers: MedGen CN381338.

Allele frequency attached by ClinVar (database versions not stated): gnomAD 0.00002 and 0.00040; ESP Exome Variant Server 0.00008; TOPMed 0.00011; gnomAD exomes 0.00074 and 0.00148; 1000 Genomes Project 30x 0.00187; 1000 Genomes Project 0.00220; ExAC 0.00229.
gnomAD v4.1: 1,140 of 1,610,228 alleles (0.071%); highest among the groups gnomAD compares: South Asian, 1.2%; 14 homozygotes.

Submissions (4):

CeGaT Center for Human Genetics Tuebingen
Classification: Benign. Last evaluated: 2026-06-01. Review status: criteria provided, single submitter. Criteria: CeGaT Center For Human Genetics Tuebingen Variant Classification Criteria Version 2. Collection method: clinical testing. Allele origin: germline. Affected: yes. Observed: 1 variant allele.
Comment: KMT2B: BP4, BP7, BS1, BS2

Labcorp Genetics (formerly Invitae), Labcorp
Classification: Benign. Last evaluated: 2026-01-24. Review status: criteria provided, single submitter. Criteria: Invitae Variant Classification Sherloc (09022015). Collection method: clinical testing. Allele origin: germline.

Blueprint Genetics
Classification: Likely benign. Last evaluated: 2024-09-11. Review status: criteria provided, single submitter. Criteria: ACMG Guidelines, 2015. Collection method: clinical testing. Allele origin: germline.

PreventionGenetics, part of Exact Sciences
Classification: Benign for KMT2B-related condition. Last evaluated: 2019-08-09. Review status: no assertion criteria provided. Collection method: clinical testing. Allele origin: germline. Not counted in ClinVar's aggregate classification.
Comment: This variant is classified as benign based on ACMG/AMP sequence variant interpretation guidelines (Richards et al. 2015 PMID: 25741868, with internal and published modifications).